The following is an entry in ClinVar:

ClinVar aggregate classification (germline): Uncertain significance. Review status: criteria provided, multiple submitters, no conflicts (2 of 4 stars). 2 submissions from 2 submitters: Uncertain significance (2). Last evaluated 2024-02-27.

Conditions:
Inborn genetic diseases. Identifiers: MedGen C0950123, MeSH D030342.

Allele frequency attached by ClinVar (database versions not stated): gnomAD exomes below 0.00001; ExAC 0.00001; gnomAD 0.00001; TOPMed 0.00003; 1000 Genomes Project 0.00020; 1000 Genomes Project 30x 0.00031.
gnomAD v4.1: 4 of 1,614,116 alleles (0.00025%); highest among the groups gnomAD compares: African/African-American, 0.0013%; no homozygotes.

Submissions (2):

Ambry Genetics
Classification: Uncertain significance for Inborn genetic diseases. Last evaluated: 2024-02-27. Review status: criteria provided, single submitter. Criteria: Ambry Variant Classification Scheme 2023. Collection method: clinical testing. Allele origin: germline.

Labcorp Genetics (formerly Invitae), Labcorp
Classification: Uncertain significance. Last evaluated: 2022-10-17. Review status: criteria provided, single submitter. Criteria: Invitae Variant Classification Sherloc (09022015). Collection method: clinical testing. Allele origin: germline.
Comment: This sequence change replaces glutamic acid, which is acidic and polar, with glycine, which is neutral and non-polar, at codon 818 of the NBAS protein (p.Glu818Gly). This variant is present in population databases (rs201688252, gnomAD 0.007%). This variant has not been reported in the literature in individuals affected with NBAS-related conditions. ClinVar contains an entry for this variant (Variation ID: 1389904). Advanced modeling of protein sequence and biophysical properties (such as structural, functional, and spatial information, amino acid conservation, physicochemical variation, residue mobility, and thermodynamic stability) performed at Invitae indicates that this missense variant is not expected to disrupt NBAS protein function. In summary, the available evidence is currently insufficient to determine the role of this variant in disease. Therefore, it has been classified as a Variant of Uncertain Significance.

NM_015909.4(NBAS):c.2453A>G (p.Glu818Gly)

Gene: NBAS (NBAS subunit of NRZ tethering complex; minus strand). Cytogenetic location: 2p24.3.
Variant type: single nucleotide variant.
Coding change: c.2453A>G on transcript NM_015909.4 (MANE Select); coding-DNA position 2453, A replaced by G.
Protein change: p.Glu818Gly; replaces glutamic acid 818 with glycine.
Molecular consequence: missense variant. On other transcripts: non-coding transcript variant (1).
Genome position (GRCh38, 1-based): chr2:15,424,439, T>C on the plus strand (A>G on the coding strand, the complement: NBAS is on the minus strand). VCF-style: chr2-15424439-T-C. GRCh37 (hg19) VCF-style: chr2-15564563-T-C.
Other names: c.2453A>G (NM_015909.2); short protein forms E818G.
Identifiers: ClinVar variation 1389904 (VCV001389904.9), dbSNP rs201688252, ClinGen allele CA1536345.